The following is an entry in ClinVar:

NM_001243279.3(ACSF3):c.186_196dup (p.His66fs)

Gene: ACSF3 (acyl-CoA synthetase family member 3; plus strand). Cytogenetic location: 16q24.3.
Variant type: Duplication.
Coding change: c.186_196dup on transcript NM_001243279.3 (MANE Select); coding-DNA positions 186 to 196, 11 bases duplicated (GCACGGCCGCC).
Protein change: p.His66fs; shifts the reading frame from histidine 66.
Molecular consequence: frameshift variant. On other transcripts: non-coding transcript variant (3), intron variant (1).
Genome position (GRCh38, 1-based): chr16:89,100,867-89,100,877, GCACGGCCGCC duplicated. VCF-style (leftmost placement, unchanged base first): chr16-89100866-A-AGCACGGCCGCC. GRCh37 (hg19) VCF-style: chr16-89167274-A-AGCACGGCCGCC.
Other names: c.186_196dup, p.His66fs (NM_001127214.4, NM_174917.5); c.-129-1737_-129-1727dup (NM_001284316.2); short protein forms H66fs.
Identifiers: ClinVar variation 1072354 (VCV001072354.7), dbSNP rs1776373606, ClinGen allele CA980387075.
Genomic context (GRCh38, chr16:89,100,866, plus strand): 5'-GGAGCGCCCCGGTGTTCACCCGTGCCCTGGCCTTTGGGGACAGAATCGCCCTGGTTGACC[A>AGCACGGCCGCC]GCACGGCCGCCACACGTACAGGGAGCTTTATTCCCGCAGCCTTCGCCTGTCCCAGGAGAT-3'

ClinVar aggregate classification (germline): Pathogenic (1 of 4 stars; one submission).

Conditions:
Combined malonic and methylmalonic acidemia. Identifiers: Orphanet 289504, MedGen C3280314, MONDO:0013661, OMIM 614265.

Allele frequency attached by ClinVar (database versions not stated): TOPMed below 0.00001.

Submission:

Labcorp Genetics (formerly Invitae), Labcorp
Classification: Pathogenic for Combined malonic and methylmalonic acidemia. Last evaluated: 2020-08-14. Review status: criteria provided, single submitter. Criteria: Invitae Variant Classification Sherloc (09022015). Collection method: clinical testing. Allele origin: germline.
Comment: For these reasons, this variant has been classified as Pathogenic. Loss-of-function variants in ACSF3 are known to be pathogenic (PMID: 21841779, 26827111). This variant has not been reported in the literature in individuals with ACSF3-related conditions. This variant is not present in population databases (ExAC no frequency). This sequence change creates a premature translational stop signal (p.His66Argfs*56) in the ACSF3 gene. It is expected to result in an absent or disrupted protein product.

Literature cited by the submitters: PubMed 21841779; PubMed 26827111.